The following is an entry in ClinVar:

NM_001291303.3(FAT4):c.8336T>G (p.Phe2779Cys)

Gene: FAT4 (FAT atypical cadherin 4; plus strand). Cytogenetic location: 4q28.1.
Variant type: single nucleotide variant.
Coding change: c.8336T>G on transcript NM_001291303.3 (MANE Select); coding-DNA position 8336, T replaced by G.
Protein change: p.Phe2779Cys; replaces phenylalanine 2779 with cysteine.
Molecular consequence: missense variant.
Genome position (GRCh38, 1-based): chr4:125,449,346, T>G. VCF-style: chr4-125449346-T-G. GRCh37 (hg19) VCF-style: chr4-126370501-T-G.
Other names: c.8336T>G, p.Phe2779Cys (NM_001291285.3); c.8330T>G, p.Phe2777Cys (NM_024582.6); short protein forms F2777C, F2779C.
Identifiers: ClinVar variation 1942139 (VCV001942139.4), dbSNP rs772006306, ClinGen allele CA3073350.

ClinVar aggregate classification (germline): Uncertain significance (1 of 4 stars; one submission).

Allele frequency attached by ClinVar (database versions not stated): gnomAD exomes below 0.00001; TOPMed below 0.00001; ExAC 0.00001.
gnomAD v4.1: 1 of 1,613,890 alleles (0.000062%); highest among the groups gnomAD compares: Non-Finnish European, 0.000085%; no homozygotes.

Submission:

Labcorp Genetics (formerly Invitae), Labcorp
Classification: Uncertain significance. Last evaluated: 2022-05-02. Review status: criteria provided, single submitter. Criteria: Invitae Variant Classification Sherloc (09022015). Collection method: clinical testing. Allele origin: germline.
Comment: This variant has not been reported in the literature in individuals affected with FAT4-related conditions. This sequence change replaces phenylalanine, which is neutral and non-polar, with cysteine, which is neutral and slightly polar, at codon 2777 of the FAT4 protein (p.Phe2777Cys). This variant is not present in population databases (gnomAD no frequency). Advanced modeling of protein sequence and biophysical properties (such as structural, functional, and spatial information, amino acid conservation, physicochemical variation, residue mobility, and thermodynamic stability) performed at Invitae indicates that this missense variant is not expected to disrupt FAT4 protein function. In summary, the available evidence is currently insufficient to determine the role of this variant in disease. Therefore, it has been classified as a Variant of Uncertain Significance.